The following is an entry in ClinVar:

ClinVar aggregate classification (germline): Uncertain significance (1 of 4 stars; one submission).

Conditions:
Cardiovascular phenotype. Identifiers: MedGen CN230736.

Submission:

Ambry Genetics
Classification: Uncertain significance for Cardiovascular phenotype. Last evaluated: 2022-12-23. Review status: criteria provided, single submitter. Criteria: Ambry Variant Classification Scheme 2023. Collection method: clinical testing. Allele origin: germline.
Comment: The p.E926A variant (also known as c.2777A>C), located in coding exon 8 of the AKAP9 gene, results from an A to C substitution at nucleotide position 2777. The glutamic acid at codon 926 is replaced by alanine, an amino acid with dissimilar properties. This amino acid position is conserved. In addition, this alteration is predicted to be tolerated by in silico analysis. Since supporting evidence is limited at this time, the clinical significance of this alteration remains unclear.

NM_005751.5(AKAP9):c.2777A>C (p.Glu926Ala)

Gene: AKAP9 (A-kinase anchoring protein 9; plus strand). Cytogenetic location: 7q21.2.
Variant type: single nucleotide variant.
Coding change: c.2777A>C on transcript NM_005751.5 (MANE Select); coding-DNA position 2777, A replaced by C.
Protein change: p.Glu926Ala; replaces glutamic acid 926 with alanine.
Molecular consequence: missense variant.
Genome position (GRCh38, 1-based): chr7:92,002,694, A>C. VCF-style: chr7-92002694-A-C. GRCh37 (hg19) VCF-style: chr7-91632008-A-C.
Other names: c.2777A>C, p.Glu926Ala (NM_147185.3); short protein forms E926A.
Identifiers: ClinVar variation 2449751 (VCV002449751.2), dbSNP rs1799318590, ClinGen allele CA368124906.